The following is an entry in ClinVar:

NM_001184.4(ATR):c.3448A>G (p.Met1150Val)

Gene: ATR (ATR checkpoint kinase; minus strand). Cytogenetic location: 3q23.
Variant type: single nucleotide variant.
Coding change: c.3448A>G on transcript NM_001184.4 (MANE Select); coding-DNA position 3448, A replaced by G.
Protein change: p.Met1150Val; replaces methionine 1150 with valine.
Molecular consequence: missense variant.
Genome position (GRCh38, 1-based): chr3:142,542,667, T>C on the plus strand (A>G on the coding strand, the complement: ATR is on the minus strand). VCF-style: chr3-142542667-T-C. GRCh37 (hg19) VCF-style: chr3-142261509-T-C.
Other names: c.3256A>G, p.Met1086Val (NM_001354579.2); short protein forms M1086V, M1150V.
Identifiers: ClinVar variation 1516464 (VCV001516464.6), dbSNP rs2108441181, ClinGen allele CA354809089.
Genomic context (GRCh38, chr3:142,542,667, plus strand): 5'-AATTTATCTATATTCTGTATGAATTCTATCTTAGCACTCTGGAACTATCACCACTTACCA[T>C]TTTCTTATCTTCAATGCCAACACTAGAGCTCAGTAACTGCATGTTAAAAAAAGCCAAAAT-3'
Protein context (NP_001175.2, residues 1140-1160): SSSVGIEDKK[Met1150Val]ALNSLMSLMK

ClinVar aggregate classification (germline): Uncertain significance (1 of 4 stars; one submission).

Submission:

Labcorp Genetics (formerly Invitae), Labcorp
Classification: Uncertain significance. Last evaluated: 2021-09-07. Review status: criteria provided, single submitter. Criteria: Invitae Variant Classification Sherloc (09022015). Collection method: clinical testing. Allele origin: germline.
Comment: In summary, the available evidence is currently insufficient to determine the role of this variant in disease. Therefore, it has been classified as a Variant of Uncertain Significance. Algorithms developed to predict the effect of missense changes on protein structure and function are either unavailable or do not agree on the potential impact of this missense change (SIFT: "Tolerated"; PolyPhen-2: "Possibly Damaging"; Align-GVGD: "Class C0"). This variant has not been reported in the literature in individuals affected with ATR-related conditions. This variant is not present in population databases (ExAC no frequency). This sequence change replaces methionine with valine at codon 1150 of the ATR protein (p.Met1150Val). The methionine residue is moderately conserved and there is a small physicochemical difference between methionine and valine.